The following is an entry in ClinVar:

ClinVar aggregate classification (germline): Likely benign. Review status: criteria provided, multiple submitters, no conflicts (2 of 4 stars). 5 submissions from 5 submitters: Likely benign (4). 1 of the submissions does not count toward it. Last evaluated 2026-01-22.

Conditions:
FANCA-related disorder. Also called: FANCA-related condition.
Inborn genetic diseases. Identifiers: MedGen C0950123, MeSH D030342.
Fanconi anemia (FA). Also called: Fanconi's anemia. Identifiers: Orphanet 84, MedGen C0015625, MeSH D005199, MONDO:0019391.
Fanconi anemia complementation group A (FANCA). Also called: Fanconi anemia, group A; FANCA-Related Fanconi Anemia. Identifiers: Orphanet 84, MedGen C3469521, MONDO:0009215, OMIM 227650.

Allele frequency attached by ClinVar (database versions not stated): 1000 Genomes Project 30x 0.00016; 1000 Genomes Project 0.00020; gnomAD 0.00035; TOPMed 0.00053; ESP Exome Variant Server 0.00085.
gnomAD v4.1: 156 of 1,614,114 alleles (0.0097%); highest among the groups gnomAD compares: African/African-American, 0.15%; no homozygotes.

Submissions (5):

Labcorp Genetics (formerly Invitae), Labcorp
Classification: Likely benign for Fanconi anemia. Last evaluated: 2026-01-22. Review status: criteria provided, single submitter. Criteria: Invitae Variant Classification Sherloc (09022015). Collection method: clinical testing. Allele origin: germline.

Ambry Genetics
Classification: Likely benign for Inborn genetic diseases. Last evaluated: 2024-11-25. Review status: criteria provided, single submitter. Criteria: Ambry Variant Classification Scheme 2023. Collection method: clinical testing. Allele origin: germline.

Blueprint Genetics
Classification: Likely benign. Last evaluated: 2024-10-23. Review status: criteria provided, single submitter. Criteria: ACMG Guidelines, 2015. Collection method: clinical testing. Allele origin: germline.

Fulgent Genetics
Classification: Likely benign for Fanconi anemia complementation group A. Last evaluated: 2021-07-30. Review status: criteria provided, single submitter. Criteria: ACMG Guidelines, 2015. Collection method: clinical testing. Allele origin: unknown.

PreventionGenetics, part of Exact Sciences
Classification: Likely benign for FANCA-related condition. Last evaluated: 2022-11-21. Review status: no assertion criteria provided. Collection method: clinical testing. Allele origin: germline. Not counted in ClinVar's aggregate classification.
Comment: This variant is classified as likely benign based on ACMG/AMP sequence variant interpretation guidelines (Richards et al. 2015 PMID: 25741868, with internal and published modifications).

NM_000135.4(FANCA):c.543G>A (p.Ala181=)

Gene: FANCA (FA complementation group A; minus strand). Cytogenetic location: 16q24.3.
Variant type: single nucleotide variant.
Coding change: c.543G>A on transcript NM_000135.4 (MANE Select); coding-DNA position 543, G replaced by A.
Protein change: p.Ala181=; no amino-acid change (alanine 181 retained).
Molecular consequence: synonymous variant.
Genome position (GRCh38, 1-based): chr16:89,808,347, C>T on the plus strand (G>A on the coding strand, the complement: FANCA is on the minus strand). VCF-style: chr16-89808347-C-T. GRCh37 (hg19) VCF-style: chr16-89874755-C-T.
Other names: c.543G>A, p.Ala181= (NM_001018112.3, NM_001286167.3); c.447G>A, p.Ala149= (NM_001351830.2); c.543G>A (LRG_495t1).
Identifiers: ClinVar variation 456132 (VCV000456132.17), dbSNP rs143314367, ClinGen allele CA8252939.